The following is an entry in ClinVar:

ClinVar aggregate classification (germline): Pathogenic (1 of 4 stars; one submission).

Submission:

Labcorp Genetics (formerly Invitae), Labcorp
Classification: Pathogenic. Last evaluated: 2021-08-06. Review status: criteria provided, single submitter. Criteria: Invitae Variant Classification Sherloc (09022015). Collection method: clinical testing. Allele origin: germline.
Comment: This variant has been observed in individual(s) with Alport syndrome (Invitae). This variant is not present in population databases (ExAC no frequency). This sequence change replaces glycine with aspartic acid at codon 1354 of the COL4A5 protein (p.Gly1354Asp). The glycine residue is highly conserved and there is a moderate physicochemical difference between glycine and aspartic acid. Advanced modeling of protein sequence and biophysical properties (such as structural, functional, and spatial information, amino acid conservation, physicochemical variation, residue mobility, and thermodynamic stability) performed at Invitae indicates that this missense variant is expected to disrupt COL4A5 protein function. This variant disrupts the triple helix domain of COL4A5. Glycine residues within the Gly-Xaa-Yaa repeats of the triple helix domain are required for the structure and stability of fibrillar collagens (PMID: 7695699, 8218237, 19344236). In COL4A5, missense variants at these glycine residues are significantly enriched in individuals with disease (PMID: 23720012, 27627812) compared to the general population (ExAC). This variant disrupts the p.Gly1354 amino acid residue in COL4A5. Other variant(s) that disrupt this residue have been observed in individuals with COL4A5-related conditions (PMID: 28632965, 26809805), which suggests that this may be a clinically significant amino acid residue. For these reasons, this variant has been classified as Pathogenic.

Literature cited by the submitters: PubMed 7695699; PubMed 8218237; PubMed 19344236; PubMed 23720012; PubMed 27627812; PubMed 28632965; PubMed 26809805.

NM_033380.3(COL4A5):c.4079G>A (p.Gly1360Asp)

Gene: COL4A5 (collagen type IV alpha 5 chain; plus strand). Cytogenetic location: Xq22.3.
Variant type: single nucleotide variant.
Coding change: c.4079G>A on transcript NM_033380.3 (MANE Select); coding-DNA position 4079, G replaced by A.
Protein change: p.Gly1360Asp; replaces glycine 1360 with aspartic acid.
Molecular consequence: missense variant.
Genome position (GRCh38, 1-based): chrX:108,680,948, G>A. VCF-style: chrX-108680948-G-A. GRCh37 (hg19) VCF-style: chrX-107924178-G-A.
Other names: c.4061G>A, p.Gly1354Asp (NM_000495.5); short protein forms G1354D, G1360D.
Identifiers: ClinVar variation 1072947 (VCV001072947.9), dbSNP rs2147980527, ClinGen allele CA413851223.